The following is an entry in ClinVar:

NM_001540.5(HSPB1):c.280C>A (p.Arg94Ser)

Gene: HSPB1 (heat shock protein family B (small) member 1; plus strand). Cytogenetic location: 7q11.23.
Variant type: single nucleotide variant.
Coding change: c.280C>A on transcript NM_001540.5 (MANE Select); coding-DNA position 280, C replaced by A.
Protein change: p.Arg94Ser; replaces arginine 94 with serine.
Molecular consequence: missense variant.
Genome position (GRCh38, 1-based): chr7:76,302,992, C>A. VCF-style: chr7-76302992-C-A. GRCh37 (hg19) VCF-style: chr7-75932309-C-A.
Other names: short protein forms R94S.
Identifiers: ClinVar variation 935151 (VCV000935151.11), dbSNP rs767672401, ClinGen allele CA367763273.

ClinVar aggregate classification (germline): Uncertain significance. Review status: criteria provided, multiple submitters, no conflicts (2 of 4 stars). 2 submissions from 2 submitters: Uncertain significance (2). Last evaluated 2024-04-25.

Conditions:
Charcot-Marie-Tooth disease axonal type 2F (CMT2F). Also called: CHARCOT-MARIE-TOOTH DISEASE, NEURONAL, TYPE 2F; Charcot-Marie-Tooth Neuropathy Type 2F. Identifiers: Orphanet 99940, MedGen C1847823, MONDO:0011687, OMIM 606595.
Inborn genetic diseases. Identifiers: MedGen C0950123, MeSH D030342.

Allele frequency attached by ClinVar (database versions not stated): gnomAD exomes below 0.00001 and 0.00002; gnomAD 0.00001; TOPMed 0.00001.

Submissions (2):

Labcorp Genetics (formerly Invitae), Labcorp
Classification: Uncertain significance for Charcot-Marie-Tooth disease axonal type 2F. Last evaluated: 2024-04-25. Review status: criteria provided, single submitter. Criteria: Invitae Variant Classification Sherloc (09022015). Collection method: clinical testing. Allele origin: germline.
Comment: This sequence change replaces arginine, which is basic and polar, with serine, which is neutral and polar, at codon 94 of the HSPB1 protein (p.Arg94Ser). The frequency data for this variant in the population databases is considered unreliable, as metrics indicate poor data quality at this position in the gnomAD database. This variant has not been reported in the literature in individuals affected with HSPB1-related conditions. ClinVar contains an entry for this variant (Variation ID: 935151). Advanced modeling of protein sequence and biophysical properties (such as structural, functional, and spatial information, amino acid conservation, physicochemical variation, residue mobility, and thermodynamic stability) performed at Invitae indicates that this missense variant is expected to disrupt HSPB1 protein function with a positive predictive value of 95%. In summary, the available evidence is currently insufficient to determine the role of this variant in disease. Therefore, it has been classified as a Variant of Uncertain Significance.

Ambry Genetics
Classification: Uncertain significance for Inborn genetic diseases. Last evaluated: 2020-09-02. Review status: criteria provided, single submitter. Criteria: Ambry Variant Classification Scheme 2023. Collection method: clinical testing. Allele origin: germline.
Comment: The p.R94S variant (also known as c.280C>A), located in coding exon 1 of the HSPB1 gene, results from a C to A substitution at nucleotide position 280. The arginine at codon 94 is replaced by serine, an amino acid with dissimilar properties. This amino acid position is not well conserved in available vertebrate species. In addition, this alteration is predicted to be tolerated by in silico analysis. Since supporting evidence is limited at this time, the clinical significance of this alteration remains unclear.